The following is an entry in ClinVar:

ClinVar aggregate classification (germline): Pathogenic (1 of 4 stars; one submission).

Conditions:
Polycystic kidney disease, adult type (PKD1). Also called: Polycystic Kidney Disease 1, Autosomal Dominant; POLYCYSTIC KIDNEY DISEASE, ADULT, TYPE I; Polycystic kidney disease 1; Polycystic kidney disease 1, severe; POLYCYSTIC KIDNEY DISEASE 1 WITH OR WITHOUT POLYCYSTIC LIVER DISEASE; Polycystic Kidney, Autosomal Dominant. Identifiers: MedGen C3149841, MONDO:0008263, OMIM 173900.

Submission:

MVZ Medizinische Genetik Mainz
Classification: Pathogenic for Polycystic kidney disease, adult type. Last evaluated: 2026-06-10. Review status: criteria provided, single submitter. Criteria: UK Practice Guidelines For Variant Classification V4 01 2020. Collection method: clinical testing. Allele origin: germline. Inheritance: Autosomal dominant inheritance. Affected: yes. Observed: 1 variant allele.
Comment: ACMG Criteria: PVS1,PM2_SUP,PP4

NM_001009944.3(PKD1):c.8041dup (p.Arg2681fs)

Gene: PKD1 (polycystin 1, transient receptor potential channel interacting; minus strand). Cytogenetic location: 16p13.3.
Variant type: Duplication.
Coding change: c.8041dup on transcript NM_001009944.3 (MANE Select); coding-DNA position 8041, one base duplicated (C; older notation c.8041dupC).
Protein change: p.Arg2681fs; shifts the reading frame from arginine 2681.
Molecular consequence: frameshift variant.
Genome position (GRCh38, 1-based): chr16:2,104,618, G duplicated on the plus strand (C on the coding strand, the reverse complement: PKD1 is on the minus strand); the first of 2 consecutive G bases (chr16:2,104,618-2,104,619); duplicating either gives the same sequence. VCF-style (leftmost placement, unchanged base first): chr16-2104617-C-CG. GRCh37 (hg19) VCF-style: chr16-2154618-C-CG.
Other names: c.8041dup, p.Arg2681fs (NM_000296.4); short protein forms R2681fs.
Identifiers: ClinVar variation 5038122 (VCV005038122.1).